The following is an entry in ClinVar:

NM_001164508.2(NEB):c.19482C>T (p.Pro6494=)

Genes: NEB (nebulin; minus strand), LOC126806373 (BRD4-independent group 4 enhancer GRCh37_chr2:152410007-152411206; plus strand). Cytogenetic location: 2q23.3.
Variant type: single nucleotide variant.
Coding change: c.19482C>T on transcript NM_001164508.2 (MANE Select); coding-DNA position 19482, C replaced by T.
Protein change: p.Pro6494=; no amino-acid change (proline 6494 retained).
Molecular consequence: synonymous variant.
Genome position (GRCh38, 1-based): chr2:151,553,972, G>A on the plus strand (C>T on the coding strand, the complement: NEB is on the minus strand). VCF-style: chr2-151553972-G-A. GRCh37 (hg19) VCF-style: chr2-152410486-G-A.
Other names: c.19482C>T, p.Pro6494= (NM_001164507.2, NM_001271208.2); c.14379C>T, p.Pro4793= (NM_004543.5).
Identifiers: ClinVar variation 257781 (VCV000257781.21), dbSNP rs200333206, ClinGen allele CA1907625.

ClinVar aggregate classification (germline): Likely benign. Review status: criteria provided, multiple submitters, no conflicts (2 of 4 stars). 6 submissions from 6 submitters: Likely benign (6). Last evaluated 2026-01-20.

Conditions:
Nemaline myopathy 2 (NEM2). Also called: Nemaline myopathy 2, autosomal recessive. Identifiers: MedGen C1850569, MONDO:0009725, OMIM 256030.

Allele frequency attached by ClinVar (database versions not stated): gnomAD exomes 0.00014 and 0.00015; TOPMed 0.00015; ExAC 0.00017; gnomAD 0.00019; ESP Exome Variant Server 0.00025; 1000 Genomes Project 0.00040; 1000 Genomes Project 30x 0.00078.
gnomAD v4.1: 247 of 1,613,788 alleles (0.015%); highest among the groups gnomAD compares: Middle Eastern, 0.033%; 1 homozygote.

Submissions (6):

Labcorp Genetics (formerly Invitae), Labcorp
Classification: Likely benign for Nemaline myopathy 2. Last evaluated: 2026-01-20. Review status: criteria provided, single submitter. Criteria: Invitae Variant Classification Sherloc (09022015). Collection method: clinical testing. Allele origin: germline.

CeGaT Center for Human Genetics Tuebingen
Classification: Likely benign. Last evaluated: 2025-11-01. Review status: criteria provided, single submitter. Criteria: CeGaT Center For Human Genetics Tuebingen Variant Classification Criteria Version 2. Collection method: clinical testing. Allele origin: germline. Affected: yes. Observed: 1 variant allele.
Comment: NEB: BP4, BP7

Blueprint Genetics
Classification: Likely benign. Last evaluated: 2024-06-25. Review status: criteria provided, single submitter. Criteria: ACMG Guidelines, 2015. Collection method: clinical testing. Allele origin: germline.

GeneDx
Classification: Likely benign. Last evaluated: 2016-08-02. Review status: criteria provided, single submitter. Criteria: GeneDx Variant Classification (06012015). Collection method: clinical testing. Allele origin: germline. Affected: yes.
Comment: This variant is considered likely benign or benign based on one or more of the following criteria: it is a conservative change, it occurs at a poorly conserved position in the protein, it is predicted to be benign by multiple in silico algorithms, and/or has population frequency not consistent with disease.

Breakthrough Genomics
Classification: Likely benign. Review status: criteria provided, single submitter. Criteria: ACMG Guidelines, 2015. Collection method: not provided. Allele origin: germline. Inheritance: Autosomal recessive inheritance. Affected: yes.

PreventionGenetics, part of Exact Sciences
Classification: Likely benign. Review status: criteria provided, single submitter. Criteria: ACMG Guidelines, 2015. Collection method: clinical testing. Allele origin: germline.